The following is an entry in ClinVar:

ClinVar aggregate classification (germline): Uncertain significance (1 of 4 stars; one submission).

Allele frequency attached by ClinVar (database versions not stated): gnomAD exomes below 0.00001; gnomAD 0.00001; TOPMed 0.00001.
gnomAD v4.1: 2 of 1,614,102 alleles (0.00012%); highest among the groups gnomAD compares: South Asian, 0.0011%; no homozygotes.

Submission:

Labcorp Genetics (formerly Invitae), Labcorp
Classification: Uncertain significance. Last evaluated: 2022-10-26. Review status: criteria provided, single submitter. Criteria: Invitae Variant Classification Sherloc (09022015). Collection method: clinical testing. Allele origin: germline.
Comment: In summary, the available evidence is currently insufficient to determine the role of this variant in disease. Therefore, it has been classified as a Variant of Uncertain Significance. Algorithms developed to predict the effect of missense changes on protein structure and function are either unavailable or do not agree on the potential impact of this missense change (SIFT: "Tolerated"; PolyPhen-2: "Probably Damaging"; Align-GVGD: "Class C0"). This variant has not been reported in the literature in individuals affected with SLC7A14-related conditions. This variant is not present in population databases (gnomAD no frequency). This sequence change replaces alanine, which is neutral and non-polar, with aspartic acid, which is acidic and polar, at codon 278 of the SLC7A14 protein (p.Ala278Asp).

NM_020949.3(SLC7A14):c.833C>A (p.Ala278Asp)

Genes: SLC7A14 (solute carrier family 7 member 14; minus strand), SLC7A14-AS1 (SLC7A14 antisense RNA 1; plus strand). Cytogenetic location: 3q26.2.
Variant type: single nucleotide variant.
Coding change: c.833C>A on transcript NM_020949.3 (MANE Select); coding-DNA position 833, C replaced by A.
Protein change: p.Ala278Asp; replaces alanine 278 with aspartic acid.
Molecular consequence: missense variant.
Genome position (GRCh38, 1-based): chr3:170,486,295, G>T on the plus strand (C>A on the coding strand, the complement: SLC7A14 is on the minus strand). VCF-style: chr3-170486295-G-T. GRCh37 (hg19) VCF-style: chr3-170204084-G-T.
Other names: short protein forms A278D.
Identifiers: ClinVar variation 1955865 (VCV001955865.5), dbSNP rs1712027063, ClinGen allele CA355494063.